The following is an entry in ClinVar:

NM_001166108.2(PALLD):c.3139G>A (p.Glu1047Lys)

Genes: CBR4 (carbonyl reductase 4; minus strand), PALLD (palladin, cytoskeletal associated protein; plus strand). Cytogenetic location: 4q32.3.
Variant type: single nucleotide variant.
Coding change: c.3139G>A on transcript NM_001166108.2 (MANE Select); coding-DNA position 3139, G replaced by A.
Protein change: p.Glu1047Lys; replaces glutamic acid 1047 with lysine.
Molecular consequence: missense variant.
Genome position (GRCh38, 1-based): chr4:168,924,335, G>A. VCF-style: chr4-168924335-G-A. GRCh37 (hg19) VCF-style: chr4-169845486-G-A.
Other names: c.1942G>A, p.Glu648Lys (NM_001166109.2); c.1627G>A, p.Glu543Lys (NM_001166110.2); c.967G>A, p.Glu323Lys (NM_001367567.1, NM_001367569.1); c.1018G>A, p.Glu340Lys (NM_001367568.1, NM_001367570.1); c.3088G>A, p.Glu1030Lys (NM_016081.4); short protein forms E323K, E340K, E648K, E1030K, E1047K, E543K.
Identifiers: ClinVar variation 1482766 (VCV001482766.6), dbSNP rs1202242941, ClinGen allele CA358712189.
Genomic context (GRCh38, chr4:168,924,335, plus strand): 5'-CCTGTGTTTATTGAGAAGCTCCAAAACACAGGAGTTGCTGATGGGTACCCAGTGCGGCTG[G>A]AATGTCGTGTATTGGGAGTGCCACCACCTCAGATATTTTGGAAGAAAGAAAATGAATCAC-3'
Protein context (NP_001159580.1, residues 1037-1057): GVADGYPVRL[Glu1047Lys]CRVLGVPPPQ

ClinVar aggregate classification (germline): Uncertain significance (1 of 4 stars; one submission).

Conditions:
Pancreatic adenocarcinoma. Identifiers: MedGen C0281361, MONDO:0006047, HP:0006725.

Allele frequency attached by ClinVar (database versions not stated): gnomAD exomes below 0.00001.
gnomAD v4.1: 1 of 1,613,944 alleles (0.000062%); highest among the groups gnomAD compares: Non-Finnish European, 0.000085%; no homozygotes.

Submission:

Labcorp Genetics (formerly Invitae), Labcorp
Classification: Uncertain significance for Pancreatic adenocarcinoma. Last evaluated: 2021-10-24. Review status: criteria provided, single submitter. Criteria: Invitae Variant Classification Sherloc (09022015). Collection method: clinical testing. Allele origin: germline.
Comment: In summary, the available evidence is currently insufficient to determine the role of this variant in disease. Therefore, it has been classified as a Variant of Uncertain Significance. This sequence change replaces glutamic acid with lysine at codon 543 of the PALLD protein (p.Glu543Lys). The glutamic acid residue is highly conserved and there is a small physicochemical difference between glutamic acid and lysine. This variant is not present in population databases (ExAC no frequency). This variant has not been reported in the literature in individuals affected with PALLD-related conditions. Algorithms developed to predict the effect of missense changes on protein structure and function (SIFT, PolyPhen-2, Align-GVGD) all suggest that this variant is likely to be disruptive.